The following is an entry in ClinVar:

ClinVar aggregate classification (germline): Likely benign. Review status: criteria provided, multiple submitters, no conflicts (2 of 4 stars). 5 submissions from 5 submitters: Likely benign (5). Last evaluated 2025-12-21.

Conditions:
Cardiac arrhythmia. Also called: Cardiac rhythm disease; Arrhythmia. Identifiers: MedGen C0003811, MONDO:0007263, HP:0011675.
Cardiovascular phenotype. Identifiers: MedGen CN230736.
Long QT syndrome (LQTS). Identifiers: MedGen C0023976, MeSH D008133, MONDO:0002442. Disease mechanism: loss of function. Inheritance: Various modes of inheritance.

Allele frequency attached by ClinVar (database versions not stated): gnomAD 0.00001; TOPMed 0.00001; gnomAD exomes 0.00004; ExAC 0.00006; ESP Exome Variant Server 0.00008; 1000 Genomes Project 30x 0.00016; 1000 Genomes Project 0.00020.
gnomAD v4.1: 61 of 1,614,218 alleles (0.0038%); highest among the groups gnomAD compares: South Asian, 0.018%; no homozygotes.

Submissions (5):

Labcorp Genetics (formerly Invitae), Labcorp
Classification: Likely benign for Long QT syndrome. Last evaluated: 2025-12-21. Review status: criteria provided, single submitter. Criteria: Invitae Variant Classification Sherloc (09022015). Collection method: clinical testing. Allele origin: germline.

Blueprint Genetics
Classification: Likely benign. Last evaluated: 2024-05-06. Review status: criteria provided, single submitter. Criteria: ACMG Guidelines, 2015. Collection method: clinical testing. Allele origin: germline.

All of Us Research Program, National Institutes of Health
Classification: Likely benign for Long QT syndrome. Last evaluated: 2024-02-05. Review status: criteria provided, single submitter. Criteria: ACMG Guidelines, 2015. Collection method: clinical testing. Allele origin: germline. Inheritance: Autosomal dominant inheritance. Observed: 3 variant alleles, 3 heterozygotes.
Comment: This study involves interpretation of variants in research participants for the purpose of population health screening. Participant phenotype was not available at the time of variant classification. Additional details can be found in publication PMID: 35346344, PMCID: PMC8962531

Color Diagnostics, LLC DBA Color Health
Classification: Likely benign for Arrhythmia. Last evaluated: 2019-09-30. Review status: criteria provided, single submitter. Criteria: ACMG Guidelines, 2015. Collection method: clinical testing. Allele origin: germline.

Ambry Genetics
Classification: Likely benign for Cardiovascular phenotype. Last evaluated: 2018-01-05. Review status: criteria provided, single submitter. Criteria: Ambry Variant Classification Scheme 2023. Collection method: clinical testing. Allele origin: germline.

NM_000238.4(KCNH2):c.1770C>T (p.Gly590=)

Gene: KCNH2 (potassium voltage-gated channel subfamily H member 2; minus strand). Cytogenetic location: 7q36.1.
Variant type: single nucleotide variant.
Coding change: c.1770C>T on transcript NM_000238.4 (MANE Select); coding-DNA position 1770, C replaced by T.
Protein change: p.Gly590=; no amino-acid change (glycine 590 retained).
Molecular consequence: synonymous variant. On other transcripts: non-coding transcript variant (2).
Genome position (GRCh38, 1-based): chr7:150,951,623, G>A on the plus strand (C>T on the coding strand, the complement: KCNH2 is on the minus strand). VCF-style: chr7-150951623-G-A. GRCh37 (hg19) VCF-style: chr7-150648711-G-A.
Other names: c.750C>T, p.Gly250= (NM_001204798.2, NM_172057.3); c.1482C>T, p.Gly494= (NM_001406753.1, NM_001406756.1); c.1593C>T, p.Gly531= (NM_001406755.1); c.1470C>T, p.Gly490= (NM_001406757.1); c.1770C>T, p.Gly590= (NM_172056.3).
Identifiers: ClinVar variation 456892 (VCV000456892.17), dbSNP rs369187892, ClinGen allele CA029423.